The following is an entry in ClinVar:

NM_018406.7(MUC4):c.7701C>T (p.Ser2567=)

Gene: MUC4 (mucin 4, cell surface associated). Cytogenetic location: 3q29.
Variant type: single nucleotide variant.
Coding change: c.7701C>T on transcript NM_018406.7 (MANE Select); coding-DNA position 7701, C replaced by T.
Protein change: p.Ser2567=; no amino-acid change (serine 2567 retained).
Molecular consequence: synonymous variant. On other transcripts: intron variant (2).
Genome position (GRCh38, 1-based): chr3:195,783,879, G>A on the plus strand (C>T on the coding strand, the complement: MUC4 is on the minus strand). VCF-style: chr3-195783879-G-A. GRCh37 (hg19) VCF-style: chr3-195510750-G-A.
Other names: c.83-9574C>T (NM_138297.5); c.83-5424C>T (NM_004532.6).
Identifiers: ClinVar variation 4822053 (VCV004822053.4).

ClinVar aggregate classification (germline): Likely benign (1 of 4 stars; one submission).

gnomAD v4.1: 66 of 1,508,354 alleles (0.0044%); highest among the groups gnomAD compares: South Asian, 0.021%; no homozygotes.

Submission:

CeGaT Center for Human Genetics Tuebingen
Classification: Likely benign. Last evaluated: 2026-01-01. Review status: criteria provided, single submitter. Criteria: CeGaT Center For Human Genetics Tuebingen Variant Classification Criteria Version 2. Collection method: clinical testing. Allele origin: germline. Affected: yes. Observed: 1 variant allele.
Comment: MUC4: BP4, BP7